The following is an entry in ClinVar:

NM_172107.4(KCNQ2):c.1301+3A>G

Gene: KCNQ2 (potassium voltage-gated channel subfamily Q member 2; minus strand). Cytogenetic location: 20q13.33.
Variant type: single nucleotide variant.
Coding change: c.1301+3A>G on transcript NM_172107.4 (MANE Select); 3 bases into the intron after coding-DNA position 1301, A replaced by G.
Molecular consequence: intron variant.
Genome position (GRCh38, 1-based): chr20:63,419,616, T>C on the plus strand (A>G on the coding strand, the complement: KCNQ2 is on the minus strand). VCF-style: chr20-63419616-T-C. GRCh37 (hg19) VCF-style: chr20-62050969-T-C.
Other names: c.1218-4490A>G (NM_004518.6); c.1248-4526A>G (NM_172108.5); c.1248-4490A>G (NM_172106.3, NM_001382235.1).
Identifiers: ClinVar variation 1997359 (VCV001997359.4), dbSNP rs1377778869, ClinGen allele CA636342165.

ClinVar aggregate classification (germline): Uncertain significance (1 of 4 stars; one submission).

Conditions:
Early-infantile DEE. Also called: Ohtahara syndrome; Early infantile epileptic encephalopathy; Early infantile epileptic encephalopathy with suppression bursts. Identifiers: Orphanet 1934, MedGen C0393706, MONDO:0800491.

Allele frequency attached by ClinVar (database versions not stated): gnomAD exomes below 0.00001.
gnomAD v4.1: 1 of 1,606,568 alleles (0.000062%); highest among the groups gnomAD compares: Non-Finnish European, 0.000085%; no homozygotes.

Submission:

Labcorp Genetics (formerly Invitae), Labcorp
Classification: Uncertain significance for Early-infantile DEE. Last evaluated: 2022-05-21. Review status: criteria provided, single submitter. Criteria: Invitae Variant Classification Sherloc (09022015). Collection method: clinical testing. Allele origin: germline.
Comment: In summary, the available evidence is currently insufficient to determine the role of this variant in disease. Therefore, it has been classified as a Variant of Uncertain Significance. This sequence change falls in intron 12 of the KCNQ2 gene. It does not directly change the encoded amino acid sequence of the KCNQ2 protein. It affects a nucleotide within the consensus splice site. The frequency data for this variant in the population databases is considered unreliable, as metrics indicate poor data quality at this position in the gnomAD database. This variant has not been reported in the literature in individuals affected with KCNQ2-related conditions. Variants that disrupt the consensus splice site are a relatively common cause of aberrant splicing (PMID: 17576681, 9536098). Algorithms developed to predict the effect of sequence changes on RNA splicing suggest that this variant is not likely to affect RNA splicing.

Literature cited by the submitters: PubMed 17576681; PubMed 9536098.